The following is an entry in ClinVar:

NM_001080449.3(DNA2):c.879G>C (p.Lys293Asn)

Gene: DNA2 (DNA replication helicase/nuclease 2; minus strand). Cytogenetic location: 10q21.3.
Variant type: single nucleotide variant.
Coding change: c.879G>C on transcript NM_001080449.3 (MANE Select); coding-DNA position 879, G replaced by C.
Protein change: p.Lys293Asn; replaces lysine 293 with asparagine.
Molecular consequence: missense variant. On other transcripts: non-coding transcript variant (1).
Genome position (GRCh38, 1-based): chr10:68,450,088, C>G on the plus strand (G>C on the coding strand, the complement: DNA2 is on the minus strand). VCF-style: chr10-68450088-C-G. GRCh37 (hg19) VCF-style: chr10-70209845-C-G.
Other names: short protein forms K293N.
Identifiers: ClinVar variation 1904642 (VCV001904642.5), dbSNP rs201350443, ClinGen allele CA208217544.

ClinVar aggregate classification (germline): Uncertain significance (1 of 4 stars; one submission).

Allele frequency attached by ClinVar (database versions not stated): gnomAD exomes below 0.00001; gnomAD 0.00001; TOPMed 0.00001.
gnomAD v4.1: 3 of 1,602,228 alleles (0.00019%); highest among the groups gnomAD compares: Admixed American, 0.0052%; no homozygotes.

Submission:

Labcorp Genetics (formerly Invitae), Labcorp
Classification: Uncertain significance. Last evaluated: 2023-06-22. Review status: criteria provided, single submitter. Criteria: Invitae Variant Classification Sherloc (09022015). Collection method: clinical testing. Allele origin: germline.
Comment: In summary, the available evidence is currently insufficient to determine the role of this variant in disease. Therefore, it has been classified as a Variant of Uncertain Significance. This sequence change replaces lysine, which is basic and polar, with asparagine, which is neutral and polar, at codon 293 of the DNA2 protein (p.Lys293Asn). This variant is present in population databases (rs201350443, gnomAD 0.003%). This variant has not been reported in the literature in individuals affected with DNA2-related conditions. ClinVar contains an entry for this variant (Variation ID: 1904642). Advanced modeling of protein sequence and biophysical properties (such as structural, functional, and spatial information, amino acid conservation, physicochemical variation, residue mobility, and thermodynamic stability) performed at Invitae indicates that this missense variant is not expected to disrupt DNA2 protein function.